The following is an entry in ClinVar:

NM_130468.4(CHST14):c.684C>G (p.Gly228=)

Gene: CHST14 (carbohydrate sulfotransferase 14; plus strand). Cytogenetic location: 15q15.1.
Variant type: single nucleotide variant.
Coding change: c.684C>G on transcript NM_130468.4 (MANE Select); coding-DNA position 684, C replaced by G.
Protein change: p.Gly228=; no amino-acid change (glycine 228 retained).
Molecular consequence: synonymous variant.
Genome position (GRCh38, 1-based): chr15:40,471,897, C>G. VCF-style: chr15-40471897-C-G. GRCh37 (hg19) VCF-style: chr15-40764096-C-G.
Identifiers: ClinVar variation 4713298 (VCV004713298.1).

ClinVar aggregate classification (germline): Uncertain significance (1 of 4 stars; one submission).

Conditions:
Ehlers-Danlos syndrome, musculocontractural type (EDSMC). Also called: Adducted thumb, clubfoot, progressive joint and skin laxity syndrome; DUNDAR SYNDROME; ARTHROGRYPOSIS, DISTAL, WITH PECULIAR FACIES AND HYDRONEPHROSIS; ADDUCTED THUMB-CLUBFOOT SYNDROME. Identifiers: Orphanet 2953, MedGen C1866294, MONDO:0011142.

Submission:

Labcorp Genetics (formerly Invitae), Labcorp
Classification: Uncertain significance for Ehlers-Danlos syndrome, musculocontractural type. Last evaluated: 2025-02-23. Review status: criteria provided, single submitter. Criteria: Invitae Variant Classification Sherloc (09022015). Collection method: clinical testing. Allele origin: germline.
Comment: This sequence change affects codon 228 of the CHST14 mRNA. It is a 'silent' change, meaning that it does not change the encoded amino acid sequence of the CHST14 protein. This variant is not present in population databases (gnomAD no frequency). This variant has not been reported in the literature in individuals affected with CHST14-related conditions. In summary, the available evidence is currently insufficient to determine the role of this variant in disease. Therefore, it has been classified as a Variant of Uncertain Significance.